The following is an entry in ClinVar:

ClinVar aggregate classification (germline): Uncertain significance (1 of 4 stars; one submission).

Allele frequency attached by ClinVar (database versions not stated): gnomAD exomes below 0.00001; gnomAD 0.00002; TOPMed 0.00003.
gnomAD v4.1: 5 of 1,568,690 alleles (0.00032%); highest among the groups gnomAD compares: African/African-American, 0.0068%; no homozygotes.

Submission:

Labcorp Genetics (formerly Invitae), Labcorp
Classification: Uncertain significance. Last evaluated: 2022-07-06. Review status: criteria provided, single submitter. Criteria: Invitae Variant Classification Sherloc (09022015). Collection method: clinical testing. Allele origin: germline.
Comment: In summary, the available evidence is currently insufficient to determine the role of this variant in disease. Therefore, it has been classified as a Variant of Uncertain Significance. Algorithms developed to predict the effect of missense changes on protein structure and function (SIFT, PolyPhen-2, Align-GVGD) all suggest that this variant is likely to be disruptive. This variant has not been reported in the literature in individuals affected with HERC1-related conditions. This variant is present in population databases (no rsID available, gnomAD 0.01%). This sequence change replaces arginine, which is basic and polar, with lysine, which is basic and polar, at codon 1325 of the HERC1 protein (p.Arg1325Lys).

NM_003922.4(HERC1):c.3974G>A (p.Arg1325Lys)

Gene: HERC1 (HECT and RLD domain containing E3 ubiquitin protein ligase family member 1; minus strand). Cytogenetic location: 15q22.31.
Variant type: single nucleotide variant.
Coding change: c.3974G>A on transcript NM_003922.4 (MANE Select); coding-DNA position 3974, G replaced by A.
Protein change: p.Arg1325Lys; replaces arginine 1325 with lysine.
Molecular consequence: missense variant.
Genome position (GRCh38, 1-based): chr15:63,718,578, C>T on the plus strand (G>A on the coding strand, the complement: HERC1 is on the minus strand). VCF-style: chr15-63718578-C-T. GRCh37 (hg19) VCF-style: chr15-64010777-C-T.
Other names: short protein forms R1325K.
Identifiers: ClinVar variation 2038991 (VCV002038991.2), dbSNP rs1052647054, ClinGen allele CA272108951.